The following is an entry in ClinVar:

ClinVar aggregate classification (germline): Uncertain significance (1 of 4 stars; one submission).

Conditions:
Renal hypodysplasia/aplasia 3 (RHDA3). Identifiers: MedGen C4540497, MONDO:0024520, OMIM 617805.

Submission:

MVZ Medizinische Genetik Mainz
Classification: Uncertain significance for Renal hypodysplasia/aplasia 3. Last evaluated: 2025-07-28. Review status: criteria provided, single submitter. Criteria: UK Practice Guidelines For Variant Classification V4 01 2020. Collection method: clinical testing. Allele origin: germline. Inheritance: Autosomal dominant inheritance. Affected: yes. Observed: 1 variant allele.
Comment: ACMG Criteria: PM2_SUP,PP2

NM_001142966.3(GREB1L):c.4494C>G (p.His1498Gln)

Gene: GREB1L (GREB1 like retinoic acid receptor coactivator; plus strand). Cytogenetic location: 18q11.2.
Variant type: single nucleotide variant.
Coding change: c.4494C>G on transcript NM_001142966.3 (MANE Select); coding-DNA position 4494, C replaced by G.
Protein change: p.His1498Gln; replaces histidine 1498 with glutamine.
Molecular consequence: missense variant.
Genome position (GRCh38, 1-based): chr18:21,508,243, C>G. VCF-style: chr18-21508243-C-G. GRCh37 (hg19) VCF-style: chr18-19088204-C-G.
Other names: c.4623C>G, p.His1541Gln (NM_001410867.1); c.4167C>G, p.His1389Gln (NM_001410868.1); short protein forms H1389Q, H1498Q, H1541Q.
Identifiers: ClinVar variation 4077096 (VCV004077096.1).
Genomic context (GRCh38, chr18:21,508,243, plus strand): 5'-CTATTTCATCATTCCCAAATCCAAAGAGAGTCATTTTGTCTTCAGCAAGCAGGGCAAGCA[C>G]CTGGAGAGCATGCGGCTGCCCCTGGTTTCAGACAAGGTGGGTGAGAGCATCTGGACTGGC-3'
Protein context (NP_001136438.1, residues 1488-1508): SHFVFSKQGK[His1498Gln]LESMRLPLVS